The following is an entry in ClinVar:

Conditions:
Breast-ovarian cancer, familial, susceptibility to, 1 (BROVCA1). Also called: BRCA1 Hereditary Breast and Ovarian Cancer; OVARIAN CANCER, SUSCEPTIBILITY TO. Identifiers: Orphanet 145, MedGen C2676676, MONDO:0011450, OMIM 604370. Disease mechanism: loss of function.

Submission:

Brotman Baty Institute, University of Washington
No classification provided (evidence only). Condition: Breast-ovarian cancer, familial 1. Review status: no classification provided. Collection method: in vitro. Allele origin: not applicable. Functional consequence: functionally_normal.
ClinVar note: "not provided" was previously submitted as the classification for the variant. However, the classification appeared to be based only on an observation of functional data so it was converted to no classification on 2025-07-30.

NM_007294.4(BRCA1):c.5166T>G (p.Ser1722=)

Gene: BRCA1 (BRCA1 DNA repair associated; minus strand). Cytogenetic location: 17q21.31.
Variant type: single nucleotide variant.
Coding change: c.5166T>G on transcript NM_007294.4 (MANE Select); coding-DNA position 5166, T replaced by G.
Protein change: p.Ser1722=; no amino-acid change (serine 1722 retained).
Molecular consequence: synonymous variant.
Genome position (GRCh38, 1-based): chr17:43,063,360, A>C on the plus strand (T>G on the coding strand, the complement: BRCA1 is on the minus strand). VCF-style: chr17-43063360-A-C. GRCh37 (hg19) VCF-style: chr17-41215377-A-C.
Other names: c.4953T>G, p.Ser1651= (NM_001407571.1, NM_001407894.1, NM_001407895.1 and 12 more transcripts); c.5232T>G, p.Ser1744= (NM_001407581.1, NM_001407582.1); c.5229T>G, p.Ser1743= (NM_001407583.1, NM_001407585.1, NM_001407587.1 and 1 more transcripts); c.5226T>G, p.Ser1742= (NM_001407590.1, NM_001407591.1); c.5166T>G, p.Ser1722= (NM_001407593.1, NM_001407594.1, NM_001407596.1 and 7 more transcripts); c.5163T>G, p.Ser1721= (NM_001407610.1, NM_001407611.1, NM_001407612.1 and 17 more transcripts); c.5160T>G, p.Ser1720= (NM_001407627.1, NM_001407628.1, NM_001407629.1 and 14 more transcripts); c.5157T>G, p.Ser1719= (NM_001407644.1, NM_001407645.1); and 72 more.
Identifiers: ClinVar variation 865077 (VCV000865077.3), dbSNP rs2051865502, ClinGen allele CA500146052.